The following is an entry in ClinVar:

ClinVar aggregate classification (germline): Uncertain significance (1 of 4 stars; one submission).

Conditions:
Hereditary sensory neuropathy-deafness-dementia syndrome. Also called: HSN IE; Hereditary sensory neuropathy type IE; NEUROPATHY, HEREDITARY SENSORY, WITH HEARING LOSS AND DEMENTIA; Hereditary Sensory and Autonomic Neuropathy Type 1E (HSAN1E). Identifiers: Orphanet 456318, MedGen C3279885, MONDO:0013584, OMIM 614116.

Allele frequency attached by ClinVar (database versions not stated): gnomAD exomes below 0.00001 and 0.00002.
gnomAD v4.1: 28 of 1,613,986 alleles (0.0017%); highest among the groups gnomAD compares: African/African-American, 0.004%; no homozygotes.

Submission:

Labcorp Genetics (formerly Invitae), Labcorp
Classification: Uncertain significance for Hereditary sensory neuropathy-deafness-dementia syndrome. Last evaluated: 2025-04-23. Review status: criteria provided, single submitter. Criteria: Invitae Variant Classification Sherloc (09022015). Collection method: clinical testing. Allele origin: germline.
Comment: This sequence change replaces aspartic acid, which is acidic and polar, with glutamic acid, which is acidic and polar, at codon 254 of the DNMT1 protein (p.Asp254Glu). This variant is present in population databases (no rsID available, gnomAD 0.0009%). This variant has not been reported in the literature in individuals affected with DNMT1-related conditions. ClinVar contains an entry for this variant (Variation ID: 1023749). An algorithm developed to predict the effect of missense changes on protein structure and function outputs the following: PolyPhen-2: "Benign". The glutamic acid amino acid residue is found in multiple mammalian species, which suggests that this missense change does not adversely affect protein function. In summary, the available evidence is currently insufficient to determine the role of this variant in disease. Therefore, it has been classified as a Variant of Uncertain Significance.

NM_001130823.3(DNMT1):c.762T>A (p.Asp254Glu)

Gene: DNMT1 (DNA methyltransferase 1; minus strand). Cytogenetic location: 19p13.2.
Variant type: single nucleotide variant.
Coding change: c.762T>A on transcript NM_001130823.3 (MANE Select); coding-DNA position 762, T replaced by A.
Protein change: p.Asp254Glu; replaces aspartic acid 254 with glutamic acid.
Molecular consequence: missense variant.
Genome position (GRCh38, 1-based): chr19:10,173,096, A>T on the plus strand (T>A on the coding strand, the complement: DNMT1 is on the minus strand). VCF-style: chr19-10173096-A-T. GRCh37 (hg19) VCF-style: chr19-10283772-A-T.
Other names: c.714T>A, p.Asp238Glu (NM_001318730.2, NM_001379.4); c.399T>A, p.Asp133Glu (NM_001318731.2); short protein forms D133E, D238E, D254E.
Identifiers: ClinVar variation 1023749 (VCV001023749.8), dbSNP rs1435887591, ClinGen allele CA403943406.
Genomic context (GRCh38, chr19:10,173,096, plus strand): 5'-GGACCATATAGGATTAAGGGAGAATTAACAAACTTAGAGGTGATAGAGCTTTACTTTTTC[A>T]TCTCTTTCTTCTTCCTTTTCAGTGCGCGTTCCTGATTTTGCTCTTTCAGGTTCTTCTGCA-3'
Protein context (NP_001124295.1, residues 244-264): GTRTEKEEER[Asp254Glu]EKEEKRLRSQ